The following is an entry in ClinVar:

NM_007118.4(TRIO):c.8452A>T (p.Thr2818Ser)

Gene: TRIO (trio Rho guanine nucleotide exchange factor; plus strand). Cytogenetic location: 5p15.2.
Variant type: single nucleotide variant.
Coding change: c.8452A>T on transcript NM_007118.4 (MANE Select); coding-DNA position 8452, A replaced by T.
Protein change: p.Thr2818Ser; replaces threonine 2818 with serine.
Molecular consequence: missense variant. On other transcripts: non-coding transcript variant (1).
Genome position (GRCh38, 1-based): chr5:14,504,433, A>T. VCF-style: chr5-14504433-A-T. GRCh37 (hg19) VCF-style: chr5-14504542-A-T.
Other names: short protein forms T2818S.
Identifiers: ClinVar variation 4750825 (VCV004750825.1).
Genomic context (GRCh38, chr5:14,504,433, plus strand): 5'-CCCCCTGACATATTTTACAGGGGCAGATTCTCTGTCGTTAAGAAATGTGATCAGAAAGGA[A>T]CCAAGCGAGCAGTGGCCACTAAGTTTGTGAACAAGAAGTTGATGAAGCGCGACCAGGTCA-3'
Protein context (NP_009049.2, residues 2808-2828): SVVKKCDQKG[Thr2818Ser]KRAVATKFVN

ClinVar aggregate classification (germline): Uncertain significance (1 of 4 stars; one submission).

gnomAD v4.1: 8 of 1,614,158 alleles (0.0005%); highest among the groups gnomAD compares: Non-Finnish European, 0.00059%; no homozygotes.

Submission:

Labcorp Genetics (formerly Invitae), Labcorp
Classification: Uncertain significance. Last evaluated: 2025-05-18. Review status: criteria provided, single submitter. Criteria: Invitae Variant Classification Sherloc (09022015). Collection method: clinical testing. Allele origin: germline.
Comment: This sequence change replaces threonine, which is neutral and polar, with serine, which is neutral and polar, at codon 2818 of the TRIO protein (p.Thr2818Ser). This variant is not present in population databases (gnomAD no frequency). This variant has not been reported in the literature in individuals affected with TRIO-related conditions. Invitae Evidence Modeling of protein sequence and biophysical properties (such as structural, functional, and spatial information, amino acid conservation, physicochemical variation, residue mobility, and thermodynamic stability) indicates that this missense variant is not expected to disrupt TRIO protein function with a negative predictive value of 95%. In summary, the available evidence is currently insufficient to determine the role of this variant in disease. Therefore, it has been classified as a Variant of Uncertain Significance.